The following is an entry in ClinVar:

ClinVar aggregate classification (germline): Uncertain significance (1 of 4 stars; one submission).

Allele frequency attached by ClinVar (database versions not stated): gnomAD 0.00001; TOPMed 0.00001; ExAC 0.00006; 1000 Genomes Project 30x 0.00016; 1000 Genomes Project 0.00020.
gnomAD v4.1: 15 of 1,613,860 alleles (0.00093%); highest among the groups gnomAD compares: Admixed American, 0.025%; no homozygotes.

Submission:

Labcorp Genetics (formerly Invitae), Labcorp
Classification: Uncertain significance. Last evaluated: 2023-06-02. Review status: criteria provided, single submitter. Criteria: Invitae Variant Classification Sherloc (09022015). Collection method: clinical testing. Allele origin: germline.
Comment: This variant is present in population databases (rs574447995, gnomAD 0.04%). This variant has not been reported in the literature in individuals affected with ROBO1-related conditions. This sequence change replaces serine, which is neutral and polar, with cysteine, which is neutral and slightly polar, at codon 735 of the ROBO1 protein (p.Ser735Cys). Advanced modeling of protein sequence and biophysical properties (such as structural, functional, and spatial information, amino acid conservation, physicochemical variation, residue mobility, and thermodynamic stability) performed at Invitae indicates that this missense variant is not expected to disrupt ROBO1 protein function. In summary, the available evidence is currently insufficient to determine the role of this variant in disease. Therefore, it has been classified as a Variant of Uncertain Significance.

NM_002941.4(ROBO1):c.2203A>T (p.Ser735Cys)

Gene: ROBO1 (roundabout guidance receptor 1; minus strand). Cytogenetic location: 3p12.3.
Variant type: single nucleotide variant.
Coding change: c.2203A>T on transcript NM_002941.4 (MANE Select); coding-DNA position 2203, A replaced by T.
Protein change: p.Ser735Cys; replaces serine 735 with cysteine.
Molecular consequence: missense variant.
Genome position (GRCh38, 1-based): chr3:78,661,147, T>A on the plus strand (A>T on the coding strand, the complement: ROBO1 is on the minus strand). VCF-style: chr3-78661147-T-A. GRCh37 (hg19) VCF-style: chr3-78710297-T-A.
Other names: c.2095A>T, p.Ser699Cys (NM_001145844.1, NM_001145845.2, NM_133631.4); short protein forms S699C, S735C.
Identifiers: ClinVar variation 2883305 (VCV002883305.3), dbSNP rs574447995, ClinGen allele CA2498740.